The following is an entry in ClinVar:

NM_002016.2(FLG):c.10250del (p.Gln3417fs)

Genes: CCDST (cervical cancer associated DHX9 suppressive transcript; plus strand), FLG (filaggrin; minus strand). Cytogenetic location: 1q21.3.
Variant type: Deletion.
Coding change: c.10250del on transcript NM_002016.2 (MANE Select); coding-DNA position 10250, one base deleted (A; older notation c.10250delA).
Protein change: p.Gln3417fs; shifts the reading frame from glutamine 3417.
Molecular consequence: frameshift variant.
Genome position (GRCh38, 1-based): chr1:152,304,636, T deleted on the plus strand (A on the coding strand, the reverse complement: FLG is on the minus strand). VCF-style (leftmost placement, unchanged base first): chr1-152304635-CT-C. GRCh37 (hg19) VCF-style: chr1-152277111-CT-C.
Other names: c.10250delA, p.Gln3417Argfs (NM_002016.1); short protein forms Q3417fs.
Identifiers: ClinVar variation 3903369 (VCV003903369.1).

ClinVar aggregate classification (germline): Uncertain significance (1 of 4 stars; one submission).

Submission:

GeneDx
Classification: Uncertain significance. Last evaluated: 2024-12-09. Review status: criteria provided, single submitter. Criteria: GeneDx Variant Classification Process June 2021. Collection method: clinical testing. Allele origin: germline. Affected: yes.
Comment: Frameshift variant predicted to result in abnormal protein length as the last 645 amino acid(s) are replaced with 37 different amino acid(s), and other similar variants have been reported in [HGMD/the published literature (ref)]; Has not been previously published as pathogenic or benign to our knowledge